The following is an entry in ClinVar:

ClinVar aggregate classification (germline): Uncertain significance (1 of 4 stars; one submission).

Conditions:
Primary ciliary dyskinesia 6. Also called: Primary Ciliary Dyskinesia 6: TXNDC3-Related Primary Ciliary Dyskinesia. Identifiers: Orphanet 244, MedGen C1970506, MONDO:0012571, OMIM 610852.

Allele frequency attached by ClinVar (database versions not stated): gnomAD 0.00004 and 0.00005; TOPMed 0.00009; ExAC 0.00013.
gnomAD v4.1: 172 of 1,613,748 alleles (0.011%); highest among the groups gnomAD compares: Non-Finnish European, 0.013%; no homozygotes.

Submission:

Labcorp Genetics (formerly Invitae), Labcorp
Classification: Uncertain significance for Primary ciliary dyskinesia 6. Last evaluated: 2025-12-14. Review status: criteria provided, single submitter. Criteria: Invitae Variant Classification Sherloc (09022015). Collection method: clinical testing. Allele origin: germline.
Comment: This sequence change replaces serine, which is neutral and polar, with phenylalanine, which is neutral and non-polar, at codon 548 of the NME8 protein (p.Ser548Phe). This variant is present in population databases (rs199621229, gnomAD 0.07%), and has an allele count higher than expected for a pathogenic variant. This variant has not been reported in the literature in individuals affected with NME8-related conditions. ClinVar contains an entry for this variant (Variation ID: 580841). Invitae Evidence Modeling of protein sequence and biophysical properties (such as structural, functional, and spatial information, amino acid conservation, physicochemical variation, residue mobility, and thermodynamic stability) indicates that this missense variant is not expected to disrupt NME8 protein function with a negative predictive value of 80%. In summary, the available evidence is currently insufficient to determine the role of this variant in disease. Therefore, it has been classified as a Variant of Uncertain Significance.

NM_016616.5(NME8):c.1643C>T (p.Ser548Phe)

Gene: NME8 (NME/NM23 family member 8; plus strand). Cytogenetic location: 7p14.1.
Variant type: single nucleotide variant.
Coding change: c.1643C>T on transcript NM_016616.5 (MANE Select); coding-DNA position 1643, C replaced by T.
Protein change: p.Ser548Phe; replaces serine 548 with phenylalanine.
Molecular consequence: missense variant.
Genome position (GRCh38, 1-based): chr7:37,896,968, C>T. VCF-style: chr7-37896968-C-T. GRCh37 (hg19) VCF-style: chr7-37936570-C-T.
Other names: short protein forms S548F.
Identifiers: ClinVar variation 580841 (VCV000580841.9), dbSNP rs199621229, ClinGen allele CA4222586.